The following is an entry in ClinVar:

NM_006070.6(TFG):c.269-238C>G

Gene: TFG (trafficking from ER to golgi regulator; plus strand). Cytogenetic location: 3q12.2.
Variant type: single nucleotide variant.
Coding change: c.269-238C>G on transcript NM_006070.6 (MANE Select); 238 bases into the intron before coding-DNA position 269, C replaced by G.
Molecular consequence: intron variant.
Genome position (GRCh38, 1-based): chr3:100,728,474, C>G. VCF-style: chr3-100728474-C-G. GRCh37 (hg19) VCF-style: chr3-100447318-C-G.
Other names: c.269-238C>G (NM_001007565.2, NM_001195479.2, NM_001195478.2).
Identifiers: ClinVar variation 675704 (VCV000675704.1), dbSNP rs13317522, ClinGen allele CA79699768.

ClinVar aggregate classification (germline): Benign (1 of 4 stars; one submission).

Allele frequency attached by ClinVar (database versions not stated): gnomAD 0.03006 and 0.03218; 1000 Genomes Project 0.03215; 1000 Genomes Project 30x 0.03373; TOPMed 0.03514.
gnomAD v4.1: 4,512 of 151,630 alleles (3%); highest among the groups gnomAD compares: African/African-American, 9.2%; 182 homozygotes.

Submission:

GeneDx
Classification: Benign. Last evaluated: 2018-06-16. Review status: criteria provided, single submitter. Criteria: GeneDx Variant Classification (06012015). Collection method: clinical testing. Allele origin: germline. Affected: yes.
Comment: This variant is considered likely benign or benign based on one or more of the following criteria: it is a conservative change, it occurs at a poorly conserved position in the protein, it is predicted to be benign by multiple in silico algorithms, and/or has population frequency not consistent with disease.